The following is an entry in ClinVar:

NM_004204.5(PIGQ):c.39_40delinsAG (p.Thr14Ala)

Gene: PIGQ (phosphatidylinositol glycan anchor biosynthesis class Q; plus strand). Cytogenetic location: 16p13.3.
Variant type: Indel.
Coding change: c.39_40delinsAG on transcript NM_004204.5 (MANE Select); coding-DNA positions 39 to 40, GA replaced by AG.
Protein change: p.Thr14Ala; replaces threonine 14 with alanine.
Molecular consequence: missense variant.
Genome position (GRCh38, 1-based): chr16:574,113-574,114, GA replaced by AG. VCF-style: chr16-574113-GA-AG. GRCh37 (hg19) VCF-style: chr16-624113-GA-AG.
Other names: c.39_40delinsAG, p.Thr14Ala (NM_148920.4); short protein forms T14A.
Identifiers: ClinVar variation 526275 (VCV000526275.7), dbSNP rs1555451582, ClinGen allele CA658798454.

ClinVar aggregate classification (germline): Uncertain significance (1 of 4 stars; one submission).

Conditions:
Epilepsy. Also called: Seizure disorder. Identifiers: MedGen C0014544, MeSH D004827, MONDO:0005027.

Submission:

Labcorp Genetics (formerly Invitae), Labcorp
Classification: Uncertain significance for Epilepsy. Last evaluated: 2022-07-05. Review status: criteria provided, single submitter. Criteria: Invitae Variant Classification Sherloc (09022015). Collection method: clinical testing. Allele origin: germline.
Comment: This sequence change replaces threonine with alanine at codon 14 of the PIGQ protein (p.Thr14Ala). The threonine residue is weakly conserved and there is a small physicochemical difference between threonine and alanine Information on the frequency of this variant in the gnomAD database is not available, as this variant may be reported differently in the database. This variant has not been reported in the literature in individuals affected with PIGQ-related conditions. ClinVar contains an entry for this variant (Variation ID: 526275). Algorithms developed to predict the effect of missense changes on protein structure and function output the following: SIFT: "Not Available"; PolyPhen-2: "Not Available"; Align-GVGD: "Not Available". The alanine amino acid residue is found in multiple mammalian species, which suggests that this missense change does not adversely affect protein function. Algorithms developed to predict the effect of sequence changes on RNA splicing suggest that this variant may create or strengthen a splice site. In summary, the available evidence is currently insufficient to determine the role of this variant in disease. Therefore, it has been classified as a Variant of Uncertain Significance.